The following is an entry in ClinVar:

NM_000823.4(GHRHR):c.1246G>A (p.Ala416Thr)

Gene: GHRHR (growth hormone releasing hormone receptor; plus strand). Cytogenetic location: 7p14.3.
Variant type: single nucleotide variant.
Coding change: c.1246G>A on transcript NM_000823.4 (MANE Select); coding-DNA position 1246, G replaced by A.
Protein change: p.Ala416Thr; replaces alanine 416 with threonine.
Molecular consequence: missense variant.
Genome position (GRCh38, 1-based): chr7:30,979,218, G>A. VCF-style: chr7-30979218-G-A. GRCh37 (hg19) VCF-style: chr7-31018833-G-A.
Other names: short protein forms A416T.
Identifiers: ClinVar variation 1900688 (VCV001900688.5), dbSNP rs774608366, ClinGen allele CA4208859.

ClinVar aggregate classification (germline): Uncertain significance (1 of 4 stars; one submission).

Allele frequency attached by ClinVar (database versions not stated): TOPMed 0.00001; ExAC 0.00002; gnomAD 0.00003.

Submission:

Labcorp Genetics (formerly Invitae), Labcorp
Classification: Uncertain significance. Last evaluated: 2022-09-01. Review status: criteria provided, single submitter. Criteria: Invitae Variant Classification Sherloc (09022015). Collection method: clinical testing. Allele origin: germline.
Comment: In summary, the available evidence is currently insufficient to determine the role of this variant in disease. Therefore, it has been classified as a Variant of Uncertain Significance. Algorithms developed to predict the effect of missense changes on protein structure and function output the following: SIFT: "Tolerated"; PolyPhen-2: "Benign"; Align-GVGD: "Class C0". The threonine amino acid residue is found in multiple mammalian species, which suggests that this missense change does not adversely affect protein function. This variant has not been reported in the literature in individuals affected with GHRHR-related conditions. This variant is present in population databases (rs774608366, gnomAD 0.02%). This sequence change replaces alanine, which is neutral and non-polar, with threonine, which is neutral and polar, at codon 416 of the GHRHR protein (p.Ala416Thr).